The following is an entry in ClinVar:

NM_032119.4(ADGRV1):c.14564T>A (p.Val4855Glu)

Gene: ADGRV1 (adhesion G protein-coupled receptor V1; plus strand). Cytogenetic location: 5q14.3.
Variant type: single nucleotide variant.
Coding change: c.14564T>A on transcript NM_032119.4 (MANE Select); coding-DNA position 14564, T replaced by A.
Protein change: p.Val4855Glu; replaces valine 4855 with glutamic acid.
Molecular consequence: missense variant. On other transcripts: non-coding transcript variant (1).
Genome position (GRCh38, 1-based): chr5:90,802,785, T>A. VCF-style: chr5-90802785-T-A. GRCh37 (hg19) VCF-style: chr5-90098602-T-A.
Other names: short protein forms V4855E.
Identifiers: ClinVar variation 4809390 (VCV004809390.1).

ClinVar aggregate classification (germline): Uncertain significance (1 of 4 stars; one submission).

gnomAD v4.1: 1 of 1,613,292 alleles (0.000062%); highest among the groups gnomAD compares: Non-Finnish European, 0.000085%; no homozygotes.

Submission:

Labcorp Genetics (formerly Invitae), Labcorp
Classification: Uncertain significance. Last evaluated: 2025-07-14. Review status: criteria provided, single submitter. Criteria: Invitae Variant Classification Sherloc (09022015). Collection method: clinical testing. Allele origin: germline.
Comment: This sequence change replaces valine, which is neutral and non-polar, with glutamic acid, which is acidic and polar, at codon 4855 of the ADGRV1 protein (p.Val4855Glu). This variant is not present in population databases (gnomAD no frequency). This missense change has been observed in individual(s) with Usher syndrome (internal data). In at least one individual the data is consistent with being in trans (on the opposite chromosome) from a pathogenic variant. Invitae Evidence Modeling of protein sequence and biophysical properties (such as structural, functional, and spatial information, amino acid conservation, physicochemical variation, residue mobility, and thermodynamic stability) indicates that this missense variant is not expected to disrupt ADGRV1 protein function with a negative predictive value of 80%. In summary, the available evidence is currently insufficient to determine the role of this variant in disease. Therefore, it has been classified as a Variant of Uncertain Significance.